The following is an entry in ClinVar:

NM_016219.5(MAN1B1):c.1014dup (p.Leu339fs)

Gene: MAN1B1 (mannosidase alpha class 1B member 1; plus strand). Cytogenetic location: 9q34.3.
Variant type: Duplication.
Coding change: c.1014dup on transcript NM_016219.5 (MANE Select); coding-DNA position 1014, one base duplicated (G; older notation c.1014dupG).
Protein change: p.Leu339fs; shifts the reading frame from leucine 339.
Molecular consequence: frameshift variant. On other transcripts: non-coding transcript variant (2).
Genome position (GRCh38, 1-based): chr9:137,101,102, G duplicated; the last of 7 consecutive G bases (chr9:137,101,096-137,101,102); duplicating any one gives the same sequence. VCF-style (leftmost placement, unchanged base first): chr9-137101095-T-TG. GRCh37 (hg19) VCF-style: chr9-139995547-T-TG.
Other names: short protein forms L339fs.
Identifiers: ClinVar variation 4747916 (VCV004747916.1).

ClinVar aggregate classification (germline): Pathogenic (1 of 4 stars; one submission).

Conditions:
Rafiq syndrome (RAFQS). Identifiers: Orphanet 88616, MedGen C3280127, MONDO:0013624, OMIM 614202.

Submission:

Labcorp Genetics (formerly Invitae), Labcorp
Classification: Pathogenic for Rafiq syndrome. Last evaluated: 2025-10-17. Review status: criteria provided, single submitter. Criteria: Invitae Variant Classification Sherloc (09022015). Collection method: clinical testing. Allele origin: germline.
Comment: This sequence change creates a premature translational stop signal (p.Leu339Alafs*18) in the MAN1B1 gene. It is expected to result in an absent or disrupted protein product. Loss-of-function variants in MAN1B1 are known to be pathogenic (PMID: 24566669). The frequency data for this variant in the population databases is considered unreliable, as metrics indicate poor data quality at this position in the gnomAD database. This variant has not been reported in the literature in individuals affected with MAN1B1-related conditions. For these reasons, this variant has been classified as Pathogenic.

Literature cited by the submitters: PubMed 24566669.